The following is an entry in ClinVar:

NM_000329.3(RPE65):c.1213C>G (p.Pro405Ala)

Gene: RPE65 (retinoid isomerohydrolase RPE65; minus strand). Cytogenetic location: 1p31.3.
Variant type: single nucleotide variant.
Coding change: c.1213C>G on transcript NM_000329.3 (MANE Select); coding-DNA position 1213, C replaced by G.
Protein change: p.Pro405Ala; replaces proline 405 with alanine.
Molecular consequence: missense variant.
Genome position (GRCh38, 1-based): chr1:68,431,501, G>C on the plus strand (C>G on the coding strand, the complement: RPE65 is on the minus strand). VCF-style: chr1-68431501-G-C. GRCh37 (hg19) VCF-style: chr1-68897184-G-C.
Other names: c.1105C>G, p.Pro369Ala (NM_001406853.1); c.937C>G, p.Pro313Ala (NM_001406856.1, NM_001406857.1); short protein forms P313A, P405A, P369A.
Identifiers: ClinVar variation 2161850 (VCV002161850.4), dbSNP rs1476800158, ClinGen allele CA340743064.

ClinVar aggregate classification (germline): Uncertain significance (1 of 4 stars; one submission).

Conditions:
Leber congenital amaurosis 2 (LCA2). Also called: Autosomal Recessive RPE65-Related Retinal Degeneration; AMAUROSIS CONGENITA OF LEBER II. Identifiers: Orphanet 65, MedGen C1859844, MONDO:0008765, OMIM 204100. Disease mechanism: loss of function.
Retinitis pigmentosa 20 (RP20). Identifiers: Orphanet 791, MedGen C3151086, MONDO:0013425, OMIM 613794.

Submission:

Labcorp Genetics (formerly Invitae), Labcorp
Classification: Uncertain significance for Leber congenital amaurosis 2; Retinitis pigmentosa 20. Last evaluated: 2022-06-04. Review status: criteria provided, single submitter. Criteria: Invitae Variant Classification Sherloc (09022015). Collection method: clinical testing. Allele origin: germline.
Comment: In summary, the available evidence is currently insufficient to determine the role of this variant in disease. Therefore, it has been classified as a Variant of Uncertain Significance. This sequence change replaces proline, which is neutral and non-polar, with alanine, which is neutral and non-polar, at codon 405 of the RPE65 protein (p.Pro405Ala). This variant is not present in population databases (gnomAD no frequency). This variant has not been reported in the literature in individuals affected with RPE65-related conditions. Algorithms developed to predict the effect of missense changes on protein structure and function are either unavailable or do not agree on the potential impact of this missense change (SIFT: "Tolerated"; PolyPhen-2: "Possibly Damaging"; Align-GVGD: "Class C0").